The following is an entry in ClinVar:

ClinVar aggregate classification (germline): Uncertain significance (1 of 4 stars; one submission).

Submission:

GeneDx
Classification: Uncertain significance. Last evaluated: 2024-11-08. Review status: criteria provided, single submitter. Criteria: GeneDx Variant Classification Process June 2021. Collection method: clinical testing. Allele origin: germline. Affected: yes.
Comment: Not observed at significant frequency in large population cohorts (gnomAD); In silico analysis supports that this missense variant has a deleterious effect on protein structure/function; Has not been previously published as pathogenic or benign to our knowledge

NM_006580.4(CLDN16):c.534G>C (p.Leu178Phe)

Gene: CLDN16 (claudin 16; plus strand). Cytogenetic location: 3q28.
Variant type: single nucleotide variant.
Coding change: c.534G>C on transcript NM_006580.4 (MANE Select); coding-DNA position 534, G replaced by C.
Protein change: p.Leu178Phe; replaces leucine 178 with phenylalanine.
Molecular consequence: missense variant.
Genome position (GRCh38, 1-based): chr3:190,408,465, G>C. VCF-style: chr3-190408465-G-C. GRCh37 (hg19) VCF-style: chr3-190126254-G-C.
Other names: c.534G>C, p.Leu178Phe (NM_001378492.1, NM_001378493.1); short protein forms L178F.
Identifiers: ClinVar variation 3899173 (VCV003899173.1).